The following is an entry in ClinVar:

ClinVar aggregate classification (germline): Uncertain significance (1 of 4 stars; one submission).

Conditions:
ALG3-congenital disorder of glycosylation. Also called: CARBOHYDRATE-DEFICIENT GLYCOPROTEIN SYNDROME, TYPE IV; CDGS, TYPE IV; CONGENITAL DISORDER OF GLYCOSYLATION, TYPE Id; CDG Id; ALG3-CDG. Identifiers: Orphanet 79321, MedGen C1832736, MONDO:0010998, OMIM 601110.

gnomAD v4.1: 47 of 1,602,794 alleles (0.0029%); highest among the groups gnomAD compares: Non-Finnish European, 0.0038%; no homozygotes.

Submission:

Labcorp Genetics (formerly Invitae), Labcorp
Classification: Uncertain significance for ALG3-congenital disorder of glycosylation. Last evaluated: 2024-07-18. Review status: criteria provided, single submitter. Criteria: Invitae Variant Classification Sherloc (09022015). Collection method: clinical testing. Allele origin: germline.
Comment: This sequence change replaces alanine, which is neutral and non-polar, with glycine, which is neutral and non-polar, at codon 17 of the ALG3 protein (p.Ala17Gly). This variant is present in population databases (rs776497657, gnomAD 0.009%). This variant has not been reported in the literature in individuals affected with ALG3-related conditions. An algorithm developed to predict the effect of missense changes on protein structure and function (PolyPhen-2) suggests that this variant is likely to be tolerated. In summary, the available evidence is currently insufficient to determine the role of this variant in disease. Therefore, it has been classified as a Variant of Uncertain Significance.

NM_005787.6(ALG3):c.50C>G (p.Ala17Gly)

Gene: ALG3 (ALG3 alpha-1,3- mannosyltransferase; minus strand). Cytogenetic location: 3q27.1.
Variant type: single nucleotide variant.
Coding change: c.50C>G on transcript NM_005787.6 (MANE Select); coding-DNA position 50, C replaced by G.
Protein change: p.Ala17Gly; replaces alanine 17 with glycine.
Molecular consequence: missense variant. On other transcripts: non-coding transcript variant (2), intron variant (1).
Genome position (GRCh38, 1-based): chr3:184,248,891, G>C on the plus strand (C>G on the coding strand, the complement: ALG3 is on the minus strand). VCF-style: chr3-184248891-G-C. GRCh37 (hg19) VCF-style: chr3-183966679-G-C.
Other names: c.52+335C>G (NM_001006941.2); short protein forms A17G.
Identifiers: ClinVar variation 3626419 (VCV003626419.2).